The following is an entry in ClinVar:

NM_000815.5(GABRD):c.1162A>T (p.Met388Leu)

Gene: GABRD (gamma-aminobutyric acid type A receptor subunit delta; plus strand). Cytogenetic location: 1p36.33.
Variant type: single nucleotide variant.
Coding change: c.1162A>T on transcript NM_000815.5 (MANE Select); coding-DNA position 1162, A replaced by T.
Protein change: p.Met388Leu; replaces methionine 388 with leucine.
Molecular consequence: missense variant.
Genome position (GRCh38, 1-based): chr1:2,030,085, A>T. VCF-style: chr1-2030085-A-T. GRCh37 (hg19) VCF-style: chr1-1961524-A-T.
Other names: short protein forms M388L.
Identifiers: ClinVar variation 2266921 (VCV002266921.3), dbSNP rs777148022, ClinGen allele CA534940.

ClinVar aggregate classification (germline): Uncertain significance. Review status: criteria provided, multiple submitters, no conflicts (2 of 4 stars). 2 submissions from 2 submitters: Uncertain significance (2). Last evaluated 2022-10-24.

Conditions:
GABRD-related disorder. Also called: GABRD-related condition.
Inborn genetic diseases. Identifiers: MedGen C0950123, MeSH D030342.

Allele frequency attached by ClinVar (database versions not stated): gnomAD exomes below 0.00001.
gnomAD v4.1: 1 of 1,606,394 alleles (0.000062%); highest among the groups gnomAD compares: Non-Finnish European, 0.000085%; no homozygotes.

Submissions (2):

PreventionGenetics, part of Exact Sciences
Classification: Uncertain significance for GABRD-related condition. Last evaluated: 2022-10-24. Review status: criteria provided, single submitter. Criteria: ACMG Guidelines, 2015. Collection method: clinical testing. Allele origin: germline.
Comment: The GABRD c.1162A>T variant is predicted to result in the amino acid substitution p.Met388Leu. To our knowledge, this variant has not been reported in the literature or in a large population database, indicating this variant is rare. At this time, the clinical significance of this variant is uncertain due to the absence of conclusive functional and genetic evidence.

Ambry Genetics
Classification: Uncertain significance for Inborn genetic diseases. Last evaluated: 2021-12-14. Review status: criteria provided, single submitter. Criteria: Ambry Variant Classification Scheme 2023. Collection method: clinical testing. Allele origin: germline.